The following is an entry in ClinVar:

NM_001378609.3(OTOGL):c.2345C>T (p.Pro782Leu)

Gene: OTOGL (otogelin like; plus strand). Cytogenetic location: 12q21.31.
Variant type: single nucleotide variant.
Coding change: c.2345C>T on transcript NM_001378609.3 (MANE Select); coding-DNA position 2345, C replaced by T.
Protein change: p.Pro782Leu; replaces proline 782 with leucine.
Molecular consequence: missense variant.
Genome position (GRCh38, 1-based): chr12:80,266,571, C>T. VCF-style: chr12-80266571-C-T. GRCh37 (hg19) VCF-style: chr12-80660351-C-T.
Other names: c.2345C>T, p.Pro782Leu (NM_001368062.3, NM_001378610.3, NM_173591.7); short protein forms P773L, P782L.
Identifiers: ClinVar variation 504846 (VCV000504846.11), dbSNP rs200797401, ClinGen allele CA6700741.

ClinVar aggregate classification (germline): Conflicting classifications of pathogenicity. Review status: criteria provided, conflicting classifications (1 of 4 stars). 4 submissions from 4 submitters: Uncertain significance (2); Benign (1); Likely benign (1). Last evaluated 2025-03-31.

Allele frequency attached by ClinVar (database versions not stated): ESP Exome Variant Server 0.00008; gnomAD 0.00024 and 0.00032; TOPMed 0.00028; 1000 Genomes Project 30x 0.00031; gnomAD exomes 0.00039 and 0.00078; 1000 Genomes Project 0.00040; ExAC 0.00075.
gnomAD v4.1: 641 of 1,613,408 alleles (0.04%); highest among the groups gnomAD compares: South Asian, 0.37%; 4 homozygotes.

Submissions (4):

Labcorp Genetics (formerly Invitae), Labcorp
Classification: Benign. Last evaluated: 2025-03-31. Review status: criteria provided, single submitter. Criteria: Invitae Variant Classification Sherloc (09022015). Collection method: clinical testing. Allele origin: germline.

Blueprint Genetics
Classification: Uncertain significance. Last evaluated: 2024-10-23. Review status: criteria provided, single submitter. Criteria: ACMG Guidelines, 2015. Collection method: clinical testing. Allele origin: germline.

GeneDx
Classification: Uncertain significance. Last evaluated: 2020-12-31. Review status: criteria provided, single submitter. Criteria: GeneDx Variant Classification Process June 2021. Collection method: clinical testing. Allele origin: germline. Affected: yes.
Comment: Identified in a patient with inherited retinal dystrophy in published literature (Astuti et al., 2018) and reported as a variant of uncertain significance; In silico analysis supports that this missense variant has a deleterious effect on protein structure/function; This variant is associated with the following publications: (PMID: 29320387)

Laboratory for Molecular Medicine, Mass General Brigham Personalized Medicine
Classification: Likely benign. Last evaluated: 2016-06-09. Review status: criteria provided, single submitter. Criteria: LMM Criteria. Collection method: clinical testing. Allele origin: germline. Observed: 1 variant allele.
Comment: p.Pro773Leu in exon 20 of OTOGL: This variant is not expected to have clinical s ignificance because it has been identified in 0.4% (67/16158) of South Asian chr omosomes by the Exome Aggregation Consortium (ExAC, rg; dbSNP rs200797401).